The following is an entry in ClinVar:

NM_004415.4(DSP):c.5731G>T (p.Glu1911Ter)

Gene: DSP (desmoplakin; plus strand). Cytogenetic location: 6p24.3.
Variant type: single nucleotide variant.
Coding change: c.5731G>T on transcript NM_004415.4 (MANE Select); coding-DNA position 5731, G replaced by T.
Protein change: p.Glu1911Ter; replaces glutamic acid 1911 with a stop codon.
Molecular consequence: nonsense.
Genome position (GRCh38, 1-based): chr6:7,582,993, G>T. VCF-style: chr6-7582993-G-T. GRCh37 (hg19) VCF-style: chr6-7583226-G-T.
Other names: c.3934G>T, p.Glu1312Ter (NM_001008844.3); c.4402G>T, p.Glu1468Ter (NM_001319034.2); short protein forms E1911*, E1468*, E1312*.
Identifiers: ClinVar variation 2095920 (VCV002095920.5), dbSNP rs2533937328, ClinGen allele CA362689292.

ClinVar aggregate classification (germline): Pathogenic (1 of 4 stars; one submission).

Conditions:
Arrhythmogenic cardiomyopathy with wooly hair and keratoderma. Also called: Arrhythmogenic cardiomyopathy with woolly hair and keratoderma; Carvajal syndrome; Dilated cardiomyopathy with woolly hair and keratoderma; PALMOPLANTAR KERATODERMA WITH LEFT VENTRICULAR CARDIOMYOPATHY AND WOOLLY HAIR. Identifiers: Orphanet 65282, MedGen C1854063, MONDO:0011581, OMIM 605676.
Arrhythmogenic right ventricular dysplasia 8 (ARVD8). Also called: Arrhythmogenic Right Ventricular Dysplasia/Cardiomyopathy 8; ARRHYTHMOGENIC RIGHT VENTRICULAR DYSPLASIA, FAMILIAL, 8; ARRHYTHMOGENIC RIGHT VENTRICULAR CARDIOMYOPATHY 8. Identifiers: MedGen C1843896, MONDO:0011831, OMIM 607450.
Lethal acantholytic epidermolysis bullosa (EBLA). Identifiers: Orphanet 158687, MedGen C1864826, MONDO:0012323, OMIM 609638.
Cardiomyopathy (CMYO). Also called: Cardiomyopathies. Identifiers: Orphanet 167848, MedGen C0878544, MONDO:0004994, HP:0001638. Inheritance: Various modes of inheritance.

Submission:

Labcorp Genetics (formerly Invitae), Labcorp
Classification: Pathogenic for Arrhythmogenic cardiomyopathy with wooly hair and keratoderma; Arrhythmogenic right ventricular dysplasia 8. Last evaluated: 2022-04-08. Review status: criteria provided, single submitter. Criteria: Invitae Variant Classification Sherloc (09022015). Collection method: clinical testing. Allele origin: germline.
Comment: This sequence change creates a premature translational stop signal (p.Glu1911*) in the DSP gene. While this is not anticipated to result in nonsense mediated decay, it is expected to disrupt the last 961 amino acid(s) of the DSP protein. For these reasons, this variant has been classified as Pathogenic. This variant disrupts a region of the DSP protein in which other variant(s) (p.Gln2730Serfs*16) have been determined to be pathogenic (PMID: 27532257, 28527814). This suggests that this is a clinically significant region of the protein, and that variants that disrupt it are likely to be disease-causing. This variant has not been reported in the literature in individuals affected with DSP-related conditions. This variant is not present in population databases (gnomAD no frequency).

Literature cited by the submitters: PubMed 27532257 (cited by Labcorp Genetics (formerly Invitae), Labcorp); PubMed 28527814 (cited by Labcorp Genetics (formerly Invitae), Labcorp).